The following is an entry in ClinVar:

ClinVar aggregate classification (germline): Uncertain significance. Review status: criteria provided, multiple submitters, no conflicts (2 of 4 stars). 2 submissions from 2 submitters: Uncertain significance (2). Last evaluated 2026-01-14.

Conditions:
Hereditary cancer-predisposing syndrome. Also called: Tumor predisposition; Neoplastic Syndromes, Hereditary; Hereditary Cancer Syndrome; Hereditary neoplastic syndrome. Identifiers: Orphanet 140162, MedGen C0027672, MeSH D009386, MONDO:0015356.

Allele frequency attached by ClinVar (database versions not stated): gnomAD exomes below 0.00001 and 0.00001; ExAC 0.00001.
gnomAD v4.1: 2 of 1,601,372 alleles (0.00012%); highest among the groups gnomAD compares: Admixed American, 0.0034%; no homozygotes.

Submissions (2):

Ambry Genetics
Classification: Uncertain significance for Hereditary cancer-predisposing syndrome. Last evaluated: 2026-01-14. Review status: criteria provided, single submitter. Criteria: Ambry Variant Classification Scheme 2023. Collection method: clinical testing. Allele origin: germline.
Comment: The p.E337D variant (also known as c.1011A>C), located in coding exon 10 of the POLE gene, results from an A to C substitution at nucleotide position 1011. The glutamic acid at codon 337 is replaced by aspartic acid, an amino acid with highly similar properties. This amino acid position is highly conserved in available vertebrate species. In addition, this alteration is predicted to be tolerated by in silico analysis. Based on the available evidence, the clinical significance of this variant remains unclear.

Labcorp Genetics (formerly Invitae), Labcorp
Classification: Uncertain significance. Last evaluated: 2024-10-07. Review status: criteria provided, single submitter. Criteria: Invitae Variant Classification Sherloc (09022015). Collection method: clinical testing. Allele origin: germline.
Comment: This sequence change replaces glutamic acid, which is acidic and polar, with aspartic acid, which is acidic and polar, at codon 337 of the POLE protein (p.Glu337Asp). This variant is present in population databases (rs780653256, gnomAD 0.006%). This variant has not been reported in the literature in individuals affected with POLE-related conditions. ClinVar contains an entry for this variant (Variation ID: 822010). Invitae Evidence Modeling of protein sequence and biophysical properties (such as structural, functional, and spatial information, amino acid conservation, physicochemical variation, residue mobility, and thermodynamic stability) indicates that this missense variant is expected to disrupt POLE protein function with a positive predictive value of 80%. In summary, the available evidence is currently insufficient to determine the role of this variant in disease. Therefore, it has been classified as a Variant of Uncertain Significance.

NM_006231.4(POLE):c.1011A>C (p.Glu337Asp)

Gene: POLE (DNA polymerase epsilon, catalytic subunit; minus strand). Cytogenetic location: 12q24.33.
Variant type: single nucleotide variant.
Coding change: c.1011A>C on transcript NM_006231.4 (MANE Select); coding-DNA position 1011, A replaced by C.
Protein change: p.Glu337Asp; replaces glutamic acid 337 with aspartic acid.
Molecular consequence: missense variant.
Genome position (GRCh38, 1-based): chr12:132,676,103, T>G on the plus strand (A>C on the coding strand, the complement: POLE is on the minus strand). VCF-style: chr12-132676103-T-G. GRCh37 (hg19) VCF-style: chr12-133252689-T-G.
Other names: short protein forms E337D.
Identifiers: ClinVar variation 822010 (VCV000822010.13), dbSNP rs780653256, ClinGen allele CA6894124.